The following is an entry in ClinVar:

NM_001042492.3(NF1):c.4924G>A (p.Val1642Ile)

Gene: NF1 (neurofibromin 1; plus strand). Cytogenetic location: 17q11.2.
Variant type: single nucleotide variant.
Coding change: c.4924G>A on transcript NM_001042492.3 (MANE Select); coding-DNA position 4924, G replaced by A.
Protein change: p.Val1642Ile; replaces valine 1642 with isoleucine.
Molecular consequence: missense variant.
Genome position (GRCh38, 1-based): chr17:31,325,908, G>A. VCF-style: chr17-31325908-G-A. GRCh37 (hg19) VCF-style: chr17-29652926-G-A.
Other names: c.4861G>A, p.Val1621Ile (NM_000267.4); short protein forms V1621I, V1642I.
Identifiers: ClinVar variation 1328754 (VCV001328754.8), dbSNP rs2151537778, ClinGen allele CA399007120.

ClinVar aggregate classification (germline): Uncertain significance. Review status: criteria provided, multiple submitters, no conflicts (2 of 4 stars). 3 submissions from 3 submitters: Uncertain significance (3). Last evaluated 2024-10-29.

Conditions:
Neurofibromatosis, type 1 (NF1). Also called: Peripheral type neurofibromatosis; Neurofibromatosis, type I; VON RECKLINGHAUSEN DISEASE; NEUROFIBROMATOSIS, TYPE I, SOMATIC. Identifiers: Orphanet 636, MedGen C0027831, MONDO:0018975, OMIM 162200. Disease mechanism: loss of function.
Cardiovascular phenotype. Identifiers: MedGen CN230736.
Hereditary cancer-predisposing syndrome. Also called: Hereditary Cancer Syndrome; Hereditary neoplastic syndrome; Neoplastic Syndromes, Hereditary; Tumor predisposition. Identifiers: Orphanet 140162, MedGen C0027672, MeSH D009386, MONDO:0015356.

Submissions (3):

Ambry Genetics
Classification: Uncertain significance for Cardiovascular phenotype; Hereditary cancer-predisposing syndrome. Last evaluated: 2024-10-29. Review status: criteria provided, single submitter. Criteria: Ambry Variant Classification Scheme 2023. Collection method: clinical testing. Allele origin: germline.
Comment: The p.V1621I variant (also known as c.4861G>A), located in coding exon 36 of the NF1 gene, results from a G to A substitution at nucleotide position 4861. The valine at codon 1621 is replaced by isoleucine, an amino acid with highly similar properties. This variant has been identified in an individual diagnosed with neurofibromatosis type 1 (Jeong SY et al. J. Korean Med. Sci., 2006 Feb;21:107-12). This amino acid position is highly conserved in available vertebrate species. In addition, the in silico prediction for this alteration is inconclusive. Based on the available evidence, the clinical significance of this variant remains unclear.

Labcorp Genetics (formerly Invitae), Labcorp
Classification: Uncertain significance for Neurofibromatosis, type 1. Last evaluated: 2024-05-06. Review status: criteria provided, single submitter. Criteria: Invitae Variant Classification Sherloc (09022015). Collection method: clinical testing. Allele origin: germline.
Comment: This sequence change replaces valine, which is neutral and non-polar, with isoleucine, which is neutral and non-polar, at codon 1621 of the NF1 protein (p.Val1621Ile). This variant is not present in population databases (gnomAD no frequency). This variant has not been reported in the literature in individuals affected with NF1-related conditions. ClinVar contains an entry for this variant (Variation ID: 1328754). Advanced modeling of protein sequence and biophysical properties (such as structural, functional, and spatial information, amino acid conservation, physicochemical variation, residue mobility, and thermodynamic stability) performed at Invitae indicates that this missense variant is expected to disrupt NF1 protein function with a positive predictive value of 80%. In summary, the available evidence is currently insufficient to determine the role of this variant in disease. Therefore, it has been classified as a Variant of Uncertain Significance.

GeneDx
Classification: Uncertain significance. Last evaluated: 2021-06-14. Review status: criteria provided, single submitter. Criteria: GeneDx Variant Classification Process June 2021. Collection method: clinical testing. Allele origin: germline. Affected: yes.
Comment: Not observed at significant frequency in large population cohorts (Lek 2016); In silico analysis supports that this missense variant does not alter protein structure/function; Has not been previously published as pathogenic or benign to our knowledge; This variant is associated with the following publications: (PMID: 27535533)

Literature cited by the submitters: PubMed 16479075 (cited by Ambry Genetics); PubMed 23668869 (cited by Ambry Genetics).